The following is an entry in ClinVar:

NM_201384.3(PLEC):c.10261G>A (p.Glu3421Lys)

Gene: PLEC (plectin; minus strand). Cytogenetic location: 8q24.3.
Variant type: single nucleotide variant.
Coding change: c.10261G>A on transcript NM_201384.3 (MANE Select); coding-DNA position 10261, G replaced by A.
Protein change: p.Glu3421Lys; replaces glutamic acid 3421 with lysine.
Molecular consequence: missense variant.
Genome position (GRCh38, 1-based): chr8:143,919,560, C>T on the plus strand (G>A on the coding strand, the complement: PLEC is on the minus strand). VCF-style: chr8-143919560-C-T. GRCh37 (hg19) VCF-style: chr8-144993728-C-T.
Other names: c.10342G>A, p.Glu3448Lys (NM_000445.5); c.6961G>A, p.Glu2321Lys (NM_001410941.1); c.10219G>A, p.Glu3407Lys (NM_201378.4); c.10195G>A, p.Glu3399Lys (NM_201379.3); c.10672G>A, p.Glu3558Lys (NM_201380.4); c.10165G>A, p.Glu3389Lys (NM_201381.3); c.10261G>A, p.Glu3421Lys (NM_201382.4); c.10273G>A, p.Glu3425Lys (NM_201383.3); short protein forms E3389K, E3399K, E2321K, E3407K, E3425K, E3421K, E3448K, E3558K.
Identifiers: ClinVar variation 2044384 (VCV002044384.4), dbSNP rs782234717, ClinGen allele CA4924706.
Genomic context (GRCh38, chr8:143,919,560, plus strand): 5'-AGTAGGGGTCTCTGTAGCCGGTGACGGCCTTCTCGGCAGACAGCAGCTGCTCGTGAAGCT[C>T]GGGGCCCACCACGCCCGCCTTCACGGCCTCGTGGACATACAGGCGCTGGTTCCGCACGGG-3'
Protein context (NP_958786.1, residues 3411-3431): EAVKAGVVGP[Glu3421Lys]LHEQLLSAEK

ClinVar aggregate classification (germline): Uncertain significance (1 of 4 stars; one submission).

Conditions:
Epidermolysis bullosa simplex 5B, with muscular dystrophy (EBS5B). Also called: Epidermolysis bullosa simplex with muscular dystrophy; EPIDERMOLYSIS BULLOSA SIMPLEX AND LIMB-GIRDLE MUSCULAR DYSTROPHY. Identifiers: Orphanet 257, MedGen C2931072, MONDO:0009181, OMIM 226670.
Epidermolysis bullosa simplex, Ogna type (EBS5A). Also called: Pidermolysis bullosa simplex 5A, Ogna type; EPIDERMOLYSIS BULLOSA SIMPLEX 5A, OGNA TYPE. Identifiers: Orphanet 79401, MedGen C0432317, MONDO:0007555, OMIM 131950.
Epidermolysis bullosa simplex 5C, with pyloric atresia (EBS5C). Also called: PLEC-Related Epidermolysis Bullosa with Pyloric Atresia; Epidermolysis bullosa simplex with pyloric atresia; PLEC1-Related Epidermolysis Bullosa with Pyloric Atresia. Identifiers: Orphanet 158684, MedGen C2677349, MONDO:0012807, OMIM 612138.
Autosomal recessive limb-girdle muscular dystrophy type 2Q (LGMDR17). Also called: MUSCULAR DYSTROPHY, LIMB-GIRDLE, AUTOSOMAL RECESSIVE 17. Identifiers: Orphanet 254361, MedGen C3150989, MONDO:0013390, OMIM 613723.
Epidermolysis bullosa simplex with nail dystrophy (EBS5D). Identifiers: MedGen C4225309, MONDO:0014661, OMIM 616487.

Allele frequency attached by ClinVar (database versions not stated): ExAC 0.00001; gnomAD 0.00001; TOPMed 0.00003.
gnomAD v4.1: 22 of 1,607,444 alleles (0.0014%); highest among the groups gnomAD compares: East Asian, 0.0022%; no homozygotes.

Submission:

Labcorp Genetics (formerly Invitae), Labcorp
Classification: Uncertain significance for Autosomal recessive limb-girdle muscular dystrophy type 2Q; Epidermolysis bullosa simplex, Ogna type; Epidermolysis bullosa simplex with nail dystrophy; Epidermolysis bullosa simplex 5C, with pyloric atresia; Epidermolysis bullosa simplex 5B, with muscular dystrophy. Last evaluated: 2023-07-24. Review status: criteria provided, single submitter. Criteria: Invitae Variant Classification Sherloc (09022015). Collection method: clinical testing. Allele origin: germline.
Comment: This sequence change replaces glutamic acid, which is acidic and polar, with lysine, which is basic and polar, at codon 3448 of the PLEC protein (p.Glu3448Lys). The frequency data for this variant in the population databases is considered unreliable, as metrics indicate poor data quality at this position in the gnomAD database. This variant has not been reported in the literature in individuals affected with PLEC-related conditions. ClinVar contains an entry for this variant (Variation ID: 2044384). Advanced modeling of protein sequence and biophysical properties (such as structural, functional, and spatial information, amino acid conservation, physicochemical variation, residue mobility, and thermodynamic stability) performed at Invitae indicates that this missense variant is not expected to disrupt PLEC protein function. In summary, the available evidence is currently insufficient to determine the role of this variant in disease. Therefore, it has been classified as a Variant of Uncertain Significance.